The following is an entry in ClinVar:

NM_014208.3(DSPP):c.885A>G (p.Ile295Met)

Genes: DMP1-AS1 (DMP1 and DSPP antisense RNA 1; minus strand), DSPP (dentin sialophosphoprotein; plus strand). Cytogenetic location: 4q22.1.
Variant type: single nucleotide variant.
Coding change: c.885A>G on transcript NM_014208.3 (MANE Select); coding-DNA position 885, A replaced by G.
Protein change: p.Ile295Met; replaces isoleucine 295 with methionine.
Molecular consequence: missense variant.
Genome position (GRCh38, 1-based): chr4:87,613,071, A>G. VCF-style: chr4-87613071-A-G. GRCh37 (hg19) VCF-style: chr4-88534223-A-G.
Other names: short protein forms I295M.
Identifiers: ClinVar variation 2446511 (VCV002446511.1), dbSNP rs370836573, ClinGen allele CA3000969.
Genomic context (GRCh38, chr4:87,613,071, plus strand): 5'-TAACAGCAAGGGCCAGGAGGGCCAGGACCATGGGAAAGAAGATGATCATGATAGTAGCAT[A>G]GGTCAAAATTCAGATAGTAAAGAATATTATGACCCTGAAGGCAAAGAAGATCCCCATAAT-3'
Protein context (NP_055023.2, residues 285-305): HGKEDDHDSS[Ile295Met]GQNSDSKEYY

ClinVar aggregate classification (germline): Uncertain significance (1 of 4 stars; one submission).

Allele frequency attached by ClinVar (database versions not stated): gnomAD exomes below 0.00001; ExAC 0.00002; TOPMed 0.00002; gnomAD 0.00003; ESP Exome Variant Server 0.00008.

Submission:

GeneDx
Classification: Uncertain significance. Last evaluated: 2022-09-30. Review status: criteria provided, single submitter. Criteria: GeneDx Variant Classification Process June 2021. Collection method: clinical testing. Allele origin: germline. Affected: yes.
Comment: In silico analysis supports that this missense variant does not alter protein structure/function; Has not been previously published as pathogenic or benign to our knowledge